The following is an entry in ClinVar:

ClinVar aggregate classification (germline): Uncertain significance. Review status: criteria provided, multiple submitters, no conflicts (2 of 4 stars). 2 submissions from 2 submitters: Uncertain significance (2). Last evaluated 2023-05-30.

Conditions:
Cardiovascular phenotype. Identifiers: MedGen CN230736.
RASopathy. Also called: Noonan spectrum disorder; rasopathies. Identifiers: Orphanet 536391, MedGen C5555857, MONDO:0021060.

Submissions (2):

Ambry Genetics
Classification: Uncertain significance for Cardiovascular phenotype. Last evaluated: 2023-05-30. Review status: criteria provided, single submitter. Criteria: Ambry Variant Classification Scheme 2023. Collection method: clinical testing. Allele origin: germline.
Comment: The p.G564R variant (also known as c.1690G>A), located in coding exon 15 of the RAF1 gene, results from a G to A substitution at nucleotide position 1690. The glycine at codon 564 is replaced by arginine, an amino acid with dissimilar properties. This amino acid position is highly conserved in available vertebrate species. In addition, this alteration is predicted to be deleterious by in silico analysis. Since supporting evidence is limited at this time, the clinical significance of this alteration remains unclear.

Labcorp Genetics (formerly Invitae), Labcorp
Classification: Uncertain significance for RASopathy. Last evaluated: 2023-01-15. Review status: criteria provided, single submitter. Criteria: Invitae Variant Classification Sherloc (09022015). Collection method: clinical testing. Allele origin: germline.
Comment: Advanced modeling of protein sequence and biophysical properties (such as structural, functional, and spatial information, amino acid conservation, physicochemical variation, residue mobility, and thermodynamic stability) performed at Invitae indicates that this missense variant is expected to disrupt RAF1 protein function. In summary, the available evidence is currently insufficient to determine the role of this variant in disease. Therefore, it has been classified as a Variant of Uncertain Significance. ClinVar contains an entry for this variant (Variation ID: 518871). This variant has not been reported in the literature in individuals affected with RAF1-related conditions. This variant is not present in population databases (gnomAD no frequency). This sequence change replaces glycine, which is neutral and non-polar, with arginine, which is basic and polar, at codon 564 of the RAF1 protein (p.Gly564Arg).

NM_002880.4(RAF1):c.1690G>A (p.Gly564Arg)

Gene: RAF1 (Raf-1 proto-oncogene, serine/threonine kinase; minus strand). Cytogenetic location: 3p25.2.
Variant type: single nucleotide variant.
Coding change: c.1690G>A on transcript NM_002880.4 (MANE Select); coding-DNA position 1690, G replaced by A.
Protein change: p.Gly564Arg; replaces glycine 564 with arginine.
Molecular consequence: missense variant. On other transcripts: non-coding transcript variant (3).
Genome position (GRCh38, 1-based): chr3:12,584,960, C>T on the plus strand (G>A on the coding strand, the complement: RAF1 is on the minus strand). VCF-style: chr3-12584960-C-T. GRCh37 (hg19) VCF-style: chr3-12626459-C-T.
Other names: c.1750G>A, p.Gly584Arg (NM_001354689.3); c.1690G>A, p.Gly564Arg (NM_001354690.3); c.1447G>A, p.Gly483Arg (NM_001354691.3, NM_001354692.3); c.1591G>A, p.Gly531Arg (NM_001354693.3); c.1507G>A, p.Gly503Arg (NM_001354694.3); c.1348G>A, p.Gly450Arg (NM_001354695.3); short protein forms G564R, G584R, G503R, G483R, G450R, G531R.
Identifiers: ClinVar variation 518871 (VCV000518871.9), dbSNP rs1553609909, ClinGen allele CA351496981.